The following is an entry in ClinVar:

NM_001001331.4(ATP2B2):c.367_368del (p.Phe123fs)

Gene: ATP2B2 (ATPase plasma membrane Ca2+ transporting 2; minus strand). Cytogenetic location: 3p25.3.
Variant type: Deletion.
Coding change: c.367_368del on transcript NM_001001331.4 (MANE Select); coding-DNA positions 367 to 368, 2 bases deleted (TT; older notation c.367_368delTT).
Protein change: p.Phe123fs; shifts the reading frame from phenylalanine 123.
Molecular consequence: frameshift variant.
Genome position (GRCh38, 1-based): chr3:10,410,647-10,410,648, AA deleted on the plus strand (TT on the coding strand, the reverse complement: ATP2B2 is on the minus strand). VCF-style (leftmost placement, unchanged base first): chr3-10410646-GAA-G. GRCh37 (hg19) VCF-style: chr3-10452330-GAA-G.
Other names: c.367_368del, p.Phe123fs (NM_001330611.3, NM_001353564.1, NM_001363862.1 and 3 more transcripts); short protein forms F123fs.
Identifiers: ClinVar variation 4852248 (VCV004852248.1).
Genomic context (GRCh38, chr3:10,410,646, plus strand): 5'-GGGGCGGTTCGTGGGTCTGAGGCCCATCTTACCTTCGTTGCCCTCGCCGGGCGGGTGGTA[GAA>G]GGACAGCCCCAGGGAGATGATGGCGGCAATCTCCAGGATGATGAGCGTCACGTCCTGCAG-3'

ClinVar aggregate classification (germline): Likely pathogenic (1 of 4 stars; one submission).

Conditions:
Hearing loss, autosomal dominant 82. Also called: Deafness, autosomal dominant 82. Identifiers: MedGen C5676948, MONDO:0030719, OMIM 619804.

Submission:

Variantyx, Inc.
Classification: Likely pathogenic for Hearing loss, autosomal dominant 82. Last evaluated: 2025-10-02. Review status: criteria provided, single submitter. Criteria: Variantyx Assertion Criteria 2022. Collection method: clinical testing. Allele origin: germline. Inheritance: Autosomal dominant inheritance. Affected: yes.
Comment: This is a frameshift variant in the ATP2B2 gene (OMIM: 108733). Pathogenic variants in this gene have been associated with autosomal dominant deafness 82. This variant introduces a premature termination codon in exon 3 out of 23 and is expected to result in loss of function, which is a known disease mechanism for ATP2B2 in this disorder (PMID: 30535804) (PVS1). This variant is absent from control populations (PM2),and it has not been reported in individuals with ATP2B2-related disorders in the databases available for review. Based on the current evidence, this variant is classified as likely pathogenic for autosomal dominant deafness 82.

Literature cited by the submitters: PubMed 30535804.